The following is an entry in ClinVar:

NM_021956.5(GRIK2):c.2449G>A (p.Val817Ile)

Gene: GRIK2 (glutamate ionotropic receptor kainate type subunit 2; plus strand). Cytogenetic location: 6q16.3.
Variant type: single nucleotide variant.
Coding change: c.2449G>A on transcript NM_021956.5 (MANE Select); coding-DNA position 2449, G replaced by A.
Protein change: p.Val817Ile; replaces valine 817 with isoleucine.
Molecular consequence: missense variant.
Genome position (GRCh38, 1-based): chr6:102,055,467, G>A. VCF-style: chr6-102055467-G-A. GRCh37 (hg19) VCF-style: chr6-102503342-G-A.
Other names: c.2449G>A, p.Val817Ile (NM_001166247.1, NM_175768.3); short protein forms V817I.
Identifiers: ClinVar variation 3364735 (VCV003364735.1).

ClinVar aggregate classification (germline): Uncertain significance (1 of 4 stars; one submission).

gnomAD v4.1: 1 of 1,613,810 alleles (0.000062%); highest among the groups gnomAD compares: Non-Finnish European, 0.000085%; no homozygotes.

Submission:

GeneDx
Classification: Uncertain significance. Last evaluated: 2023-11-27. Review status: criteria provided, single submitter. Criteria: GeneDx Variant Classification Process June 2021. Collection method: clinical testing. Allele origin: germline. Affected: yes.
Comment: Not observed at significant frequency in large population cohorts (gnomAD); In silico analysis supports that this missense variant does not alter protein structure/function; Has not been previously published as pathogenic or benign to our knowledge.